The following is an entry in ClinVar:

ClinVar aggregate classification (germline): Pathogenic (1 of 4 stars; one submission).

Submission:

Labcorp Genetics (formerly Invitae), Labcorp
Classification: Pathogenic. Last evaluated: 2025-07-24. Review status: criteria provided, single submitter. Criteria: Invitae Variant Classification Sherloc (09022015). Collection method: clinical testing. Allele origin: germline.
Comment: This sequence change affects a donor splice site in intron 5 of the PHEX gene. It is expected to disrupt RNA splicing. Variants that disrupt the donor or acceptor splice site typically lead to a loss of protein function (PMID: 16199547), and loss-of-function variants in PHEX are known to be pathogenic (PMID: 9097956, 9106524, 19219621). This variant is not present in population databases (gnomAD no frequency). Disruption of this splice site has been observed in individuals with hypophosphatemic rickets (PMID: 25031893; internal data). ClinVar contains an entry for this variant (Variation ID: 850189). Algorithms developed to predict the effect of sequence changes on RNA splicing suggest that this variant may disrupt the consensus splice site. For these reasons, this variant has been classified as Pathogenic.

Literature cited by the submitters: PubMed 16199547; PubMed 9097956; PubMed 9106524; PubMed 19219621; PubMed 25031893.

NM_000444.6(PHEX):c.663+2T>C

Gene: PHEX (phosphate regulating endopeptidase X-linked; plus strand). Cytogenetic location: Xp22.11.
Variant type: single nucleotide variant.
Coding change: c.663+2T>C on transcript NM_000444.6 (MANE Select); the canonical splice donor site of the intron after coding-DNA position 663, T replaced by C.
Molecular consequence: splice donor variant.
Genome position (GRCh38, 1-based): chrX:22,077,704, T>C. VCF-style: chrX-22077704-T-C. GRCh37 (hg19) VCF-style: chrX-22095822-T-C.
Other names: c.663+2T>C (NM_001282754.2).
Identifiers: ClinVar variation 850189 (VCV000850189.10), dbSNP rs1057518348, ClinGen allele CA412571721.
Genomic context (GRCh38, chrX:22,077,704, plus strand): 5'-TGTTCATCCGTTTGTATGTGTCCCCTGATGACAAAGCATCCAATGAACATATCTTGAAGG[T>C]ATAATGAGGACCCATTCATCTTCTTTGCTCAGTCCTAGATTAGCCTTTTGGGGTGCCATC-3'